The following is an entry in ClinVar:

NM_000429.3(MAT1A):c.*1298G>A

Gene: MAT1A (methionine adenosyltransferase 1A; minus strand). Cytogenetic location: 10q22.3.
Variant type: single nucleotide variant.
Coding change: c.*1298G>A on transcript NM_000429.3 (MANE Select); 1298 bases downstream of the stop codon, G replaced by A.
Molecular consequence: 3 prime UTR variant.
Genome position (GRCh38, 1-based): chr10:80,272,483, C>T on the plus strand (G>A on the coding strand, the complement: MAT1A is on the minus strand). VCF-style: chr10-80272483-C-T. GRCh37 (hg19) VCF-style: chr10-82032239-C-T.
Identifiers: ClinVar variation 877596 (VCV000877596.4), dbSNP rs143751338, ClinGen allele CA210319632.

ClinVar aggregate classification (germline): Benign (1 of 4 stars; one submission).

Conditions:
Hepatic methionine adenosyltransferase deficiency. Also called: Deficiency of methionine adenosyltransferase; MAT I/III DEFICIENCY; Methionine adenosyltransferase deficiency; Isolated Persistent Hypermethioninemia. Identifiers: Orphanet 168598, MedGen C0268621, MeSH C564683, MONDO:0009607, OMIM 250850.

Allele frequency attached by ClinVar (database versions not stated): gnomAD 0.01038 and 0.01100; 1000 Genomes Project 0.01238; TOPMed 0.01265; 1000 Genomes Project 30x 0.01437.

Submission:

Illumina Laboratory Services, Illumina
Classification: Benign for Hepatic methionine adenosyltransferase deficiency. Last evaluated: 2018-01-13. Review status: criteria provided, single submitter. Criteria: ICSL Variant Classification Criteria 13 December 2019. Collection method: clinical testing. Allele origin: germline.
Comment: This variant was observed in the ICSL laboratory as part of a predisposition screen in an ostensibly healthy population. It had not been previously curated by ICSL or reported in the Human Gene Mutation Database (HGMD: prior to June 1st, 2018), and was therefore a candidate for classification through an automated scoring system. Utilizing variant allele frequency, disease prevalence and penetrance estimates, and inheritance mode, an automated score was calculated to assess if this variant is too frequent to cause the disease. Based on the score and internal cut-off values, a variant classified as benign is not then subjected to further curation. The score for this variant resulted in a classification of benign for this disease.